The following is an entry in ClinVar:

NM_001278512.2(AP3B2):c.1620G>A (p.Gln540=)

Genes: AP3B2 (adaptor related protein complex 3 subunit beta 2; minus strand), CPEB1-AS1 (CPEB1 antisense RNA 1; plus strand). Cytogenetic location: 15q25.2.
Variant type: single nucleotide variant.
Coding change: c.1620G>A on transcript NM_001278512.2 (MANE Select); coding-DNA position 1620, G replaced by A.
Protein change: p.Gln540=; no amino-acid change (glutamine 540 retained).
Molecular consequence: synonymous variant.
Genome position (GRCh38, 1-based): chr15:82,676,506, C>T on the plus strand (G>A on the coding strand, the complement: AP3B2 is on the minus strand). VCF-style: chr15-82676506-C-T. GRCh37 (hg19) VCF-style: chr15-83345258-C-T.
Other names: c.1620G>A (NM_004644.4); c.1524G>A, p.Gln508= (NM_001278511.2); c.1620G>A, p.Gln540= (NM_004644.5).
Identifiers: ClinVar variation 1657157 (VCV001657157.10), dbSNP rs374398150, ClinGen allele CA7700170.

ClinVar aggregate classification (germline): Likely benign. Review status: criteria provided, single submitter (1 of 4 stars). 2 submissions from 2 submitters: Likely benign (1). 1 of the submissions does not count toward it. Last evaluated 2026-01-05.

Conditions:
AP3B2-related disorder. Also called: AP3B2-related condition.

Allele frequency attached by ClinVar (database versions not stated): ExAC 0.00001; gnomAD 0.00002; gnomAD exomes 0.00002 and 0.00004; ESP Exome Variant Server 0.00008.

Submissions (2):

Labcorp Genetics (formerly Invitae), Labcorp
Classification: Likely benign. Last evaluated: 2026-01-05. Review status: criteria provided, single submitter. Criteria: Invitae Variant Classification Sherloc (09022015). Collection method: clinical testing. Allele origin: germline.

PreventionGenetics, part of Exact Sciences
Classification: Likely benign for AP3B2-related condition. Last evaluated: 2019-06-24. Review status: no assertion criteria provided. Collection method: clinical testing. Allele origin: germline. Not counted in ClinVar's aggregate classification.
Comment: This variant is classified as likely benign based on ACMG/AMP sequence variant interpretation guidelines (Richards et al. 2015 PMID: 25741868, with internal and published modifications).